The following is an entry in ClinVar:

NM_003072.5(SMARCA4):c.356-1G>C

Gene: SMARCA4 (SWI/SNF related BAF chromatin remodeling complex subunit ATPase 4; plus strand). Cytogenetic location: 19p13.2.
Variant type: single nucleotide variant.
Coding change: c.356-1G>C on transcript NM_003072.5 (MANE Select); the canonical splice acceptor site of the intron before coding-DNA position 356, G replaced by C.
Molecular consequence: splice acceptor variant.
Genome position (GRCh38, 1-based): chr19:10,986,188, G>C. VCF-style: chr19-10986188-G-C. GRCh37 (hg19) VCF-style: chr19-11096864-G-C.
Other names: c.356-1G>C (NM_001128844.3, NM_001128849.3, NM_001128847.4 and 6 more transcripts).
Identifiers: ClinVar variation 1732711 (VCV001732711.2), dbSNP rs2145770770, ClinGen allele CA404055521.
Genomic context (GRCh38, chr19:10,986,188, plus strand): 5'-AGGCTGTAAAAATCACAGACATATGCTGCCGAGTGACCAGTGGGCTGACCTTTCTCTGCA[G>C]GTTACCCCTCGCCCCTGGGTGGCTCTGAGCATGCCTCTAGTCCAGTTCCAGCCAGTGGCC-3'

ClinVar aggregate classification (germline): Uncertain significance (1 of 4 stars; one submission).

Conditions:
Hereditary cancer-predisposing syndrome. Also called: Neoplastic Syndromes, Hereditary; Tumor predisposition; Hereditary Cancer Syndrome; Hereditary neoplastic syndrome. Identifiers: Orphanet 140162, MedGen C0027672, MeSH D009386, MONDO:0015356.

Submission:

Ambry Genetics
Classification: Uncertain significance for Hereditary cancer-predisposing syndrome. Last evaluated: 2021-04-13. Review status: criteria provided, single submitter. Criteria: Ambry Variant Classification Scheme 2023. Collection method: clinical testing. Allele origin: germline.
Comment: The c.356-1G>C intronic variant results from a G to C substitution one nucleotide upstream from coding exon 3 of the SMARCA4 gene. Alterations that disrupt the canonical splice site are expected to result in aberrant splicing. In silico splice site analysis predicts that this alteration will weaken the native splice acceptor site. The resulting transcript is predicted to be in-frame and is not expected to trigger nonsense-mediated mRNAdecay; however, direct evidence is unavailable. The exact functional effect of the missing amino acids is unknown. Loss-of-function variants in SMARCA4 are known to cause rhabdoid tumor predisposition syndrome including small cell carcinoma of the ovary-hypercalcemic type (SCCOHT); however, such associations with neurodevelopmental disorders are exceedingly rare (Kosho T et al. Am J Med Genet C Semin Med Genet. 2014 Sep;166C(3):262-75; Jelinic P et al. Nat Genet. 2014 May;46(5):424-6). Based on the supporting evidence, the association of this alteration with rhabdoid tumor predisposition syndrome is unknown; however, the association of this alteration with Coffin-Siris syndrome is unlikely.